The following is an entry in ClinVar:

ClinVar aggregate classification (germline): Uncertain significance. Review status: criteria provided, multiple submitters, no conflicts (2 of 4 stars). 4 submissions from 4 submitters: Uncertain significance (3). 1 of the submissions does not count toward it. Last evaluated 2025-08-30.

Conditions:
Primary ciliary dyskinesia. Also called: Ciliary dyskinesia. Identifiers: Orphanet 244, MedGen C0008780, MONDO:0016575, HP:0012265.
DNAAF5-related disorder. Also called: DNAAF5-related condition.
Primary ciliary dyskinesia 18. Also called: CILIARY DYSKINESIA, PRIMARY, 18, WITH OR WITHOUT SITUS INVERSUS. Identifiers: Orphanet 244, MedGen C3543825, MONDO:0013940, OMIM 614874.

Allele frequency attached by ClinVar (database versions not stated): gnomAD 0.00003 and 0.00004; gnomAD exomes 0.00007 and 0.00012; ExAC 0.00008; TOPMed 0.00008; 1000 Genomes Project 30x 0.00016; 1000 Genomes Project 0.00020.
gnomAD v4.1: 103 of 1,612,200 alleles (0.0064%); highest among the groups gnomAD compares: South Asian, 0.03%; no homozygotes.

Submissions (4):

Ambry Genetics
Classification: Uncertain significance for Primary ciliary dyskinesia. Last evaluated: 2025-08-30. Review status: criteria provided, single submitter. Criteria: Ambry Variant Classification Scheme 2023. Collection method: clinical testing. Allele origin: germline.

Labcorp Genetics (formerly Invitae), Labcorp
Classification: Uncertain significance for Primary ciliary dyskinesia. Last evaluated: 2022-07-06. Review status: criteria provided, single submitter. Criteria: Invitae Variant Classification Sherloc (09022015). Collection method: clinical testing. Allele origin: germline.
Comment: This sequence change replaces alanine, which is neutral and non-polar, with threonine, which is neutral and polar, at codon 572 of the DNAAF5 protein (p.Ala572Thr). This variant is present in population databases (rs534027051, gnomAD 0.05%). This variant has not been reported in the literature in individuals affected with DNAAF5-related conditions. ClinVar contains an entry for this variant (Variation ID: 1415748). Algorithms developed to predict the effect of missense changes on protein structure and function (SIFT, PolyPhen-2, Align-GVGD) all suggest that this variant is likely to be tolerated. In summary, the available evidence is currently insufficient to determine the role of this variant in disease. Therefore, it has been classified as a Variant of Uncertain Significance.

Fulgent Genetics
Classification: Uncertain significance for Primary ciliary dyskinesia 18. Last evaluated: 2022-04-07. Review status: criteria provided, single submitter. Criteria: ACMG Guidelines, 2015. Collection method: clinical testing. Allele origin: unknown.

PreventionGenetics, part of Exact Sciences
Classification: Uncertain significance for DNAAF5-related condition. Last evaluated: 2023-11-22. Review status: no assertion criteria provided. Collection method: clinical testing. Allele origin: germline. Not counted in ClinVar's aggregate classification.
Comment: The DNAAF5 c.1714G>A variant is predicted to result in the amino acid substitution p.Ala572Thr. To our knowledge, this variant has not been reported in the literature. This variant is reported in 0.049% of alleles in individuals of South Asian descent in gnomAD. At this time, the clinical significance of this variant is uncertain due to the absence of conclusive functional and genetic evidence.

NM_017802.4(DNAAF5):c.1714G>A (p.Ala572Thr)

Gene: DNAAF5 (dynein axonemal assembly factor 5; plus strand). Cytogenetic location: 7p22.3.
Variant type: single nucleotide variant.
Coding change: c.1714G>A on transcript NM_017802.4 (MANE Select); coding-DNA position 1714, G replaced by A.
Protein change: p.Ala572Thr; replaces alanine 572 with threonine.
Molecular consequence: missense variant. On other transcripts: non-coding transcript variant (1).
Genome position (GRCh38, 1-based): chr7:763,905, G>A. VCF-style: chr7-763905-G-A. GRCh37 (hg19) VCF-style: chr7-803542-G-A.
Other names: short protein forms A572T.
Identifiers: ClinVar variation 1415748 (VCV001415748.10), dbSNP rs534027051, ClinGen allele CA4110828.